The following is an entry in ClinVar:

ClinVar aggregate classification (germline): Uncertain significance (1 of 4 stars; one submission).

Allele frequency attached by ClinVar (database versions not stated): gnomAD 0.00001; ExAC 0.00003; TOPMed 0.00004; ESP Exome Variant Server 0.00008.

Submission:

Labcorp Genetics (formerly Invitae), Labcorp
Classification: Uncertain significance. Last evaluated: 2025-10-02. Review status: criteria provided, single submitter. Criteria: Invitae Variant Classification Sherloc (09022015). Collection method: clinical testing. Allele origin: germline.
Comment: This sequence change replaces alanine, which is neutral and non-polar, with valine, which is neutral and non-polar, at codon 273 of the AXL protein (p.Ala273Val). This variant is present in population databases (rs374699228, gnomAD 0.01%). This variant has not been reported in the literature in individuals affected with AXL-related conditions. ClinVar contains an entry for this variant (Variation ID: 2200735). Invitae Evidence Modeling of protein sequence and biophysical properties (such as structural, functional, and spatial information, amino acid conservation, physicochemical variation, residue mobility, and thermodynamic stability) indicates that this missense variant is not expected to disrupt AXL protein function with a negative predictive value of 80%. In summary, the available evidence is currently insufficient to determine the role of this variant in disease. Therefore, it has been classified as a Variant of Uncertain Significance.

NM_021913.5(AXL):c.818C>T (p.Ala273Val)

Gene: AXL (AXL receptor tyrosine kinase; plus strand). Cytogenetic location: 19q13.2.
Variant type: single nucleotide variant.
Coding change: c.818C>T on transcript NM_021913.5 (MANE Select); coding-DNA position 818, C replaced by T.
Protein change: p.Ala273Val; replaces alanine 273 with valine.
Molecular consequence: missense variant.
Genome position (GRCh38, 1-based): chr19:41,237,978, C>T. VCF-style: chr19-41237978-C-T. GRCh37 (hg19) VCF-style: chr19-41743883-C-T.
Other names: c.14C>T, p.Ala5Val (NM_001278599.2); c.818C>T, p.Ala273Val (NM_001699.6); short protein forms A273V, A5V.
Identifiers: ClinVar variation 2200735 (VCV002200735.2), dbSNP rs374699228, ClinGen allele CA9458086.